The following is an entry in ClinVar:

ClinVar aggregate classification (germline): Uncertain significance (1 of 4 stars; one submission).

Submission:

GeneDx
Classification: Uncertain significance. Last evaluated: 2025-03-12. Review status: criteria provided, single submitter. Criteria: GeneDx Variant Classification Process June 2021. Collection method: clinical testing. Allele origin: germline. Affected: yes.
Comment: Not observed at significant frequency in large population cohorts (gnomAD); Missense variants in this gene are a common cause of disease and they are underrepresented in the general population; In silico analysis indicates that this missense variant does not alter protein structure/function; Has not been previously published as pathogenic or benign to our knowledge

NM_030662.4(MAP2K2):c.416G>A (p.Ser139Asn)

Gene: MAP2K2 (mitogen-activated protein kinase kinase 2; minus strand). Cytogenetic location: 19p13.3.
Variant type: single nucleotide variant.
Coding change: c.416G>A on transcript NM_030662.4 (MANE Select); coding-DNA position 416, G replaced by A.
Protein change: p.Ser139Asn; replaces serine 139 with asparagine.
Molecular consequence: missense variant.
Genome position (GRCh38, 1-based): chr19:4,110,543, C>T on the plus strand (G>A on the coding strand, the complement: MAP2K2 is on the minus strand). VCF-style: chr19-4110543-C-T. GRCh37 (hg19) VCF-style: chr19-4110541-C-T.
Other names: c.416G>A, p.Ser139Asn (NM_001440688.1); short protein forms S139N.
Identifiers: ClinVar variation 4083239 (VCV004083239.1).